The following is an entry in ClinVar:

ClinVar aggregate classification (germline): Pathogenic (1 of 4 stars; one submission).

Conditions:
Juvenile polyposis syndrome (JPS). Identifiers: Orphanet 2929, MedGen C0345893, MONDO:0017380, OMIM 174900.

Allele frequency attached by ClinVar (database versions not stated): gnomAD exomes below 0.00001.

Submission:

Labcorp Genetics (formerly Invitae), Labcorp
Classification: Pathogenic for Juvenile polyposis syndrome. Last evaluated: 2020-09-24. Review status: criteria provided, single submitter. Criteria: Invitae Variant Classification Sherloc (09022015). Collection method: clinical testing. Allele origin: germline.
Comment: This sequence change creates a premature translational stop signal (p.Tyr260*) in the SMAD4 gene. It is expected to result in an absent or disrupted protein product. This variant is not present in population databases (ExAC no frequency). This variant has not been reported in the literature in individuals with SMAD4-related conditions. Loss-of-function variants in SMAD4 are known to be pathogenic (PMID: 16152648, 16436638, 22810475). For these reasons, this variant has been classified as Pathogenic.

Literature cited by the submitters: PubMed 16152648; PubMed 16436638; PubMed 22810475.

NM_005359.6(SMAD4):c.779dup (p.Tyr260Ter)

Gene: SMAD4 (SMAD family member 4; plus strand). Cytogenetic location: 18q21.2.
Variant type: Duplication.
Coding change: c.779dup on transcript NM_005359.6 (MANE Select); coding-DNA position 779, one base duplicated (A; older notation c.779dupA).
Protein change: p.Tyr260Ter; replaces tyrosine 260 with a stop codon.
Molecular consequence: nonsense.
Genome position (GRCh38, 1-based): chr18:51,058,236, A duplicated. VCF-style (leftmost placement, unchanged base first): chr18-51058235-T-TA. GRCh37 (hg19) VCF-style: chr18-48584605-T-TA.
Other names: short protein forms Y260*.
Identifiers: ClinVar variation 1074223 (VCV001074223.7), dbSNP rs2144427739, ClinGen allele CA2499225208.